The following is an entry in ClinVar:

NM_001271.4(CHD2):c.1810-304A>G

Gene: CHD2 (chromodomain helicase DNA binding protein 2; plus strand). Cytogenetic location: 15q26.1.
Variant type: single nucleotide variant.
Coding change: c.1810-304A>G on transcript NM_001271.4 (MANE Select); 304 bases into the intron before coding-DNA position 1810, A replaced by G.
Molecular consequence: intron variant.
Genome position (GRCh38, 1-based): chr15:92,956,155, A>G. VCF-style: chr15-92956155-A-G. GRCh37 (hg19) VCF-style: chr15-93499385-A-G.
Identifiers: ClinVar variation 668078 (VCV000668078.1), dbSNP rs7180285, ClinGen allele CA15850258.

ClinVar aggregate classification (germline): Benign (1 of 4 stars; one submission).

Allele frequency attached by ClinVar (database versions not stated): gnomAD 0.76533 and 0.77504; TOPMed 0.77966; 1000 Genomes Project 30x 0.80746; 1000 Genomes Project 0.81829.
gnomAD v4.1: 118,032 of 151,978 alleles (78%); highest among the groups gnomAD compares: East Asian, 100%; 47,051 homozygotes.

Submission:

GeneDx
Classification: Benign. Last evaluated: 2018-06-18. Review status: criteria provided, single submitter. Criteria: GeneDx Variant Classification (06012015). Collection method: clinical testing. Allele origin: germline. Affected: yes.
Comment: This variant is considered likely benign or benign based on one or more of the following criteria: it is a conservative change, it occurs at a poorly conserved position in the protein, it is predicted to be benign by multiple in silico algorithms, and/or has population frequency not consistent with disease.